The following is an entry in ClinVar:

NM_030665.4(RAI1):c.3932A>G (p.Gln1311Arg)

Gene: RAI1 (retinoic acid induced 1; plus strand). Cytogenetic location: 17p11.2.
Variant type: single nucleotide variant.
Coding change: c.3932A>G on transcript NM_030665.4 (MANE Select); coding-DNA position 3932, A replaced by G.
Protein change: p.Gln1311Arg; replaces glutamine 1311 with arginine.
Molecular consequence: missense variant.
Genome position (GRCh38, 1-based): chr17:17,796,880, A>G. VCF-style: chr17-17796880-A-G. GRCh37 (hg19) VCF-style: chr17-17700194-A-G.
Other names: short protein forms Q1311R.
Identifiers: ClinVar variation 4981717 (VCV004981717.1).

ClinVar aggregate classification (germline): Uncertain significance (1 of 4 stars; one submission).

Conditions:
RAI1-related disorder. Also called: RAI1-related condition.

Submission:

PreventionGenetics, part of Exact Sciences
Classification: Uncertain significance for RAI1-related condition. Last evaluated: 2026-05-27. Review status: criteria provided, single submitter. Criteria: ACMG Guidelines, 2015. Collection method: clinical testing. Allele origin: germline.
Comment: The RAI1 c.3932A>G variant is predicted to result in the amino acid substitution p.Gln1311Arg. To our knowledge, this variant has not been reported in the literature or in a large population database (gnomAD), indicating this variant is rare. At this time, the clinical significance of this variant is uncertain due to the absence of conclusive functional and genetic evidence.